The following is an entry in ClinVar:

ClinVar aggregate classification (germline): Benign (1 of 4 stars; one submission).

Submission:

GeneDx
Classification: Benign. Last evaluated: 2013-04-15. Review status: criteria provided, single submitter. Criteria: GeneDx Variant Classification (06012015). Collection method: clinical testing. Allele origin: germline. Affected: yes.
Comment: This variant is considered likely benign or benign based on one or more of the following criteria: it is a conservative change, it occurs at a poorly conserved position in the protein, it is predicted to be benign by multiple in silico algorithms, and/or has population frequency not consistent with disease.

NM_000256.3(MYBPC3):c.1223+14T>G

Gene: MYBPC3 (myosin binding protein C3; minus strand). Cytogenetic location: 11p11.2.
Variant type: single nucleotide variant.
Coding change: c.1223+14T>G on transcript NM_000256.3 (MANE Select); 14 bases into the intron after coding-DNA position 1223, T replaced by G.
Genome position (GRCh38, 1-based): chr11:47,343,478, A>C on the plus strand (T>G on the coding strand, the complement: MYBPC3 is on the minus strand). VCF-style: chr11-47343478-A-C. GRCh37 (hg19) VCF-style: chr11-47365029-A-C.
Other names: c.1223+14T>G (LRG_386t1).
Identifiers: ClinVar variation 138325 (VCV000138325.1), dbSNP rs587781045, ClinGen allele CA009891.
Genomic context (GRCh38, chr11:47,343,478, plus strand): 5'-TGGAGAGGGGCAGGAGGCAAGGCTATGGGGGTCCCCACCTCCACCCGAGCCCCCCTCCCC[A>C]CCCCAGGCTGCACCTGCCGCTCATCTGGATCTCCTGGCCATTCTTGAGCCATTTGACCTC-3'